The following is an entry in ClinVar:

NM_000138.5(FBN1):c.4904C>A (p.Thr1635Asn)

Gene: FBN1 (fibrillin 1; minus strand). Cytogenetic location: 15q21.1.
Variant type: single nucleotide variant.
Coding change: c.4904C>A on transcript NM_000138.5 (MANE Select); coding-DNA position 4904, C replaced by A.
Protein change: p.Thr1635Asn; replaces threonine 1635 with asparagine.
Molecular consequence: missense variant.
Genome position (GRCh38, 1-based): chr15:48,465,606, G>T on the plus strand (C>A on the coding strand, the complement: FBN1 is on the minus strand). VCF-style: chr15-48465606-G-T. GRCh37 (hg19) VCF-style: chr15-48757803-G-T.
Other names: short protein forms T1635N.
Identifiers: ClinVar variation 1326814 (VCV001326814.3), dbSNP rs1460284193, ClinGen allele CA392351128.

ClinVar aggregate classification (germline): Uncertain significance. Review status: criteria provided, multiple submitters, no conflicts (2 of 4 stars). 2 submissions from 2 submitters: Uncertain significance (2). Last evaluated 2023-06-28.

Conditions:
Marfan syndrome (MFS). Also called: Marfan syndrome type 1; Marfan's syndrome; FBN1-Related Marfan Syndrome; MARFAN SYNDROME, TYPE I; Marfan syndrome, classic. Identifiers: Orphanet 284963, Orphanet 558, MedGen C0024796, MONDO:0007947, OMIM 154700.

Allele frequency attached by ClinVar (database versions not stated): TOPMed below 0.00001; gnomAD exomes 0.00001.
gnomAD v4.1: 11 of 1,614,076 alleles (0.00068%); highest among the groups gnomAD compares: Non-Finnish European, 0.00085%; no homozygotes.

Submissions (2):

All of Us Research Program, National Institutes of Health
Classification: Uncertain significance for Marfan syndrome. Last evaluated: 2023-06-28. Review status: criteria provided, single submitter. Criteria: ACMG Guidelines, 2015. Collection method: clinical testing. Allele origin: germline. Inheritance: Autosomal dominant inheritance. Observed: 2 variant alleles, 2 heterozygotes.
Comment: This missense variant replaces threonine with asparagine at codon 1635 of the FBN1 protein. Computational prediction suggests that this variant may not impact protein structure and function (internally defined REVEL score threshold <= 0.5, PMID: 27666373). To our knowledge, functional studies have not been reported for this variant. This variant has not been reported in individuals affected with FBN1-related disorders in the literature. This variant has not been identified in the general population by the Genome Aggregation Database (gnomAD). The available evidence is insufficient to determine the role of this variant in disease conclusively. Therefore, this variant is classified as a Variant of Uncertain Significance.

This study involves interpretation of variants in research participants for the purpose of population health screening. Participant phenotype was not available at the time of variant classification. Additional details can be found in publication PMID: 35346344, PMCID: PMC8962531

GeneDx
Classification: Uncertain significance. Last evaluated: 2021-05-24. Review status: criteria provided, single submitter. Criteria: GeneDx Variant Classification Process June 2021. Collection method: clinical testing. Allele origin: germline. Affected: yes.
Comment: Has not been previously published as pathogenic or benign to our knowledge; Not observed at significant frequency in large population cohorts (Lek et al., 2016); In silico analysis supports that this missense variant does not alter protein structure/function; Although located in a calcium-binding EGF-like domain of the FBN1 gene, it does not affect a cysteine residue within this domain; cysteine substitutions in the calcium-binding EGF-like domains represent the majority of pathogenic missense changes associated with FBN1-related disorders (Collod-Beroud et al., 2003)